The following is an entry in ClinVar:

NM_000238.4(KCNH2):c.2596A>G (p.Asn866Asp)

Gene: KCNH2 (potassium voltage-gated channel subfamily H member 2; minus strand). Cytogenetic location: 7q36.1.
Variant type: single nucleotide variant.
Coding change: c.2596A>G on transcript NM_000238.4 (MANE Select); coding-DNA position 2596, A replaced by G.
Protein change: p.Asn866Asp; replaces asparagine 866 with aspartic acid.
Molecular consequence: missense variant. On other transcripts: non-coding transcript variant (2).
Genome position (GRCh38, 1-based): chr7:150,948,540, T>C on the plus strand (A>G on the coding strand, the complement: KCNH2 is on the minus strand). VCF-style: chr7-150948540-T-C. GRCh37 (hg19) VCF-style: chr7-150645628-T-C.
Other names: c.2308A>G, p.Asn770Asp (NM_001406753.1); c.1576A>G, p.Asn526Asp (NM_172057.3); short protein forms N526D, N770D, N866D.
Identifiers: ClinVar variation 3386891 (VCV003386891.1).

ClinVar aggregate classification (germline): Uncertain significance (1 of 4 stars; one submission).

Conditions:
Long QT syndrome (LQTS). Identifiers: MedGen C0023976, MeSH D008133, MONDO:0002442. Disease mechanism: loss of function. Inheritance: Various modes of inheritance.

Submission:

All of Us Research Program, National Institutes of Health
Classification: Uncertain significance for Long QT syndrome. Last evaluated: 2024-03-24. Review status: criteria provided, single submitter. Criteria: ACMG Guidelines, 2015. Collection method: clinical testing. Allele origin: germline. Inheritance: Autosomal dominant inheritance. Observed: 1 variant allele, 1 heterozygote.
Comment: This missense variant replaces asparagine with aspartic acid at codon 866 of the KCNH2 protein. Computational prediction is inconclusive regarding the impact of this variant on protein structure and function (internally defined REVEL score threshold 0.5 < inconclusive < 0.7, PMID: 27666373). To our knowledge, functional studies have not been reported for this variant. This variant has not been reported in individuals affected with KCNH2-related disorders in the literature. This variant has not been identified in the general population by the Genome Aggregation Database (gnomAD). The available evidence is insufficient to determine the role of this variant in disease conclusively. Therefore, this variant is classified as a Variant of Uncertain Significance.

This study involves interpretation of variants in research participants for the purpose of population health screening. Participant phenotype was not available at the time of variant classification. Additional details can be found in publication PMID: 35346344, PMCID: PMC8962531